The following is an entry in ClinVar:

NM_000352.6(ABCC8):c.3858C>T (p.Tyr1286=)

Gene: ABCC8 (ATP binding cassette subfamily C member 8; minus strand). Cytogenetic location: 11p15.1.
Variant type: single nucleotide variant.
Coding change: c.3858C>T on transcript NM_000352.6 (MANE Select); coding-DNA position 3858, C replaced by T.
Protein change: p.Tyr1286=; no amino-acid change (tyrosine 1286 retained).
Molecular consequence: synonymous variant. On other transcripts: non-coding transcript variant (1).
Genome position (GRCh38, 1-based): chr11:17,397,693, G>A on the plus strand (C>T on the coding strand, the complement: ABCC8 is on the minus strand). VCF-style: chr11-17397693-G-A. GRCh37 (hg19) VCF-style: chr11-17419240-G-A.
Other names: c.3861C>T, p.Tyr1287= (NM_001287174.3); c.3924C>T, p.Tyr1308= (NM_001351295.2); c.3858C>T, p.Tyr1286= (NM_001351296.2); c.3855C>T, p.Tyr1285= (NM_001351297.2).
Identifiers: ClinVar variation 303758 (VCV000303758.42), dbSNP rs377045545, ClinGen allele CA5902682.

ClinVar aggregate classification (germline): Conflicting classifications of pathogenicity. Review status: criteria provided, conflicting classifications (1 of 4 stars). 9 submissions from 6 submitters: Uncertain significance (4); Likely benign (4). 1 of the submissions does not count toward it. Last evaluated 2025-10-25.

Conditions:
Maturity-onset diabetes of the young (MODY). Also called: Maturity onset diabetes mellitus in young. Identifiers: Orphanet 552, MedGen C0342276, MONDO:0018911, HP:0004904.
ABCC8-related disorder.
Inborn genetic diseases. Identifiers: MedGen C0950123, MeSH D030342.
Permanent neonatal diabetes mellitus (PNDM). Identifiers: Orphanet 99885, MedGen C1833104, MONDO:0100164, MONDO:0011643. Disease mechanism: gain of function.
Transitory neonatal diabetes mellitus. Also called: Transient neonatal diabetes mellitus. Identifiers: MedGen C0342273, MONDO:0020525, HP:0008255.
Hyperinsulinemic hypoglycemia, familial, 1 (HHF1). Also called: HYPERINSULINISM, FAMILIAL, WITH PANCREATIC NESIDIOBLASTOSIS; HYPOGLYCEMIA, HYPERINSULINEMIC, OF INFANCY; NESIDIOBLASTOSIS OF PANCREAS; Persistent hyperinsulinemic hypoglycemia of infancy; Persistent Hyperinsulinemia Hypoglycemia of Infancy. Identifiers: Orphanet 276575, Orphanet 276598, MedGen C2931832, MONDO:0009734, OMIM 256450.
Diabetes mellitus, transient neonatal, 2 (TNDM2). Identifiers: Orphanet 99886, MedGen C1835887, MONDO:0012480, OMIM 610374. Disease mechanism: loss of function.

Allele frequency attached by ClinVar (database versions not stated): ExAC 0.00003; gnomAD exomes 0.00003; TOPMed 0.00007; ESP Exome Variant Server 0.00008; gnomAD 0.00008 and 0.00009; 1000 Genomes Project 30x 0.00016; 1000 Genomes Project 0.00020.
gnomAD v4.1: 102 of 1,612,656 alleles (0.0063%); highest among the groups gnomAD compares: South Asian, 0.015%; no homozygotes.

Submissions (9):

Labcorp Genetics (formerly Invitae), Labcorp
Classification: Likely benign. Last evaluated: 2025-10-25. Review status: criteria provided, single submitter. Criteria: Invitae Variant Classification Sherloc (09022015). Collection method: clinical testing. Allele origin: germline.

CeGaT Center for Human Genetics Tuebingen
Classification: Likely benign. Last evaluated: 2023-11-01. Review status: criteria provided, single submitter. Criteria: CeGaT Center For Human Genetics Tuebingen Variant Classification Criteria Version 2. Collection method: clinical testing. Allele origin: germline. Affected: yes. Observed: 1 variant allele.
Comment: ABCC8: BP4, BP7

Ambry Genetics
Classification: Likely benign for Inborn genetic diseases. Last evaluated: 2022-08-14. Review status: criteria provided, single submitter. Criteria: Ambry Variant Classification Scheme 2023. Collection method: clinical testing. Allele origin: germline.

Illumina Laboratory Services, Illumina
Classification: Likely benign for Diabetes mellitus, transient neonatal, 2. Last evaluated: 2018-01-13. Review status: criteria provided, single submitter. Criteria: ICSL Variant Classification Criteria 13 December 2019. Collection method: clinical testing. Allele origin: germline.
Comment: This variant was observed in the ICSL laboratory as part of a predisposition screen in an ostensibly healthy population. It had not been previously curated by ICSL or reported in the Human Gene Mutation Database (HGMD: prior to June 1st, 2018), and was therefore a candidate for classification through an automated scoring system. Utilizing variant allele frequency, disease prevalence and penetrance estimates, and inheritance mode, an automated score was calculated to assess if this variant is too frequent to cause the disease. Based on the score and internal cut-off values, a variant classified as likely benign is not then subjected to further curation. The score for this variant resulted in a classification of likely benign for this disease.

Illumina Laboratory Services, Illumina
Classification: Uncertain significance for Hyperinsulinemic hypoglycemia, familial, 1. Last evaluated: 2018-01-13. Review status: criteria provided, single submitter. Criteria: ICSL Variant Classification Criteria 13 December 2019. Collection method: clinical testing. Allele origin: germline.

Illumina Laboratory Services, Illumina
Classification: Uncertain significance for Permanent neonatal diabetes mellitus 1. Last evaluated: 2018-01-13. Review status: criteria provided, single submitter. Criteria: ICSL Variant Classification Criteria 13 December 2019. Collection method: clinical testing. Allele origin: germline.

Clinical Genomics, Uppaluri K&H Personalized Medicine Clinic
Classification: Uncertain significance for Transitory neonatal diabetes mellitus. Review status: criteria provided, single submitter. Criteria: K & H Uppaluri Personalized Medicine Clinic Variant Classification & Assertion Criteria_Updated V.1. Collection method: research. Allele origin: somatic. Inheritance: Somatic mutation.
Comment: Mutations in ABCC8 gene are associated with both neonatal diabetes mellitus as well as MODY. Patients with this mutation may have a better response to sulfonylureas. However, no sufficient evidence is found to ascertain the role of this particular variant (rs377045545) in neonatal diabetes yet.

Clinical Genomics, Uppaluri K&H Personalized Medicine Clinic
Classification: Uncertain significance for Maturity-onset diabetes of the young. Review status: criteria provided, single submitter. Criteria: K & H Uppaluri Personalized Medicine Clinic Variant Classification & Assertion Criteria_Updated V.1. Collection method: research. Allele origin: somatic. Inheritance: Somatic mutation.
Comment: Mutations in ABCC8 gene are associated with both neonatal diabetes mellitus as well as MODY. Patients with this mutation may have a better response to sulfonylureas. However, no sufficient evidence is found to ascertain the role of this particular variant (rs377045545) in MODY yet.

PreventionGenetics, part of Exact Sciences
Classification: Likely benign for ABCC8-related condition. Last evaluated: 2021-02-09. Review status: no assertion criteria provided. Collection method: clinical testing. Allele origin: germline. Not counted in ClinVar's aggregate classification.
Comment: This variant is classified as likely benign based on ACMG/AMP sequence variant interpretation guidelines (Richards et al. 2015 PMID: 25741868, with internal and published modifications).

Literature cited by the submitters: PubMed 16885549 (cited by Clinical Genomics, Uppaluri K&H Personalized Medicine Clinic); PubMed 21989597 (cited by Clinical Genomics, Uppaluri K&H Personalized Medicine Clinic); PubMed 27538677 (cited by Clinical Genomics, Uppaluri K&H Personalized Medicine Clinic); PubMed 18981553 (cited by Clinical Genomics, Uppaluri K&H Personalized Medicine Clinic); PubMed 32027066 (cited by Clinical Genomics, Uppaluri K&H Personalized Medicine Clinic); PubMed 16613899 (cited by Clinical Genomics, Uppaluri K&H Personalized Medicine Clinic); PubMed 18025408 (cited by Clinical Genomics, Uppaluri K&H Personalized Medicine Clinic); PubMed 32792356 (cited by Clinical Genomics, Uppaluri K&H Personalized Medicine Clinic).